The following is an entry in ClinVar:

NM_000303.3(PMM2):c.337C>A (p.Pro113Thr)

Gene: PMM2 (phosphomannomutase 2; plus strand). Cytogenetic location: 16p13.2.
Variant type: single nucleotide variant.
Coding change: c.337C>A on transcript NM_000303.3 (MANE Select); coding-DNA position 337, C replaced by A.
Protein change: p.Pro113Thr; replaces proline 113 with threonine.
Molecular consequence: missense variant.
Genome position (GRCh38, 1-based): chr16:8,806,397, C>A. VCF-style: chr16-8806397-C-A. GRCh37 (hg19) VCF-style: chr16-8900254-C-A.
Other names: short protein forms P113T.
Identifiers: ClinVar variation 420784 (VCV000420784.14), dbSNP rs765433263, ClinGen allele CA7894004.

ClinVar aggregate classification (germline): Conflicting classifications of pathogenicity. Review status: criteria provided, conflicting classifications (1 of 4 stars). 5 submissions from 5 submitters: Pathogenic (1); Likely pathogenic (1); Uncertain significance (1). 2 of the submissions do not count toward it. Last evaluated 2026-08-20.

Conditions:
PMM2-related disorder. Also called: PMM2-related condition.
PMM2-congenital disorder of glycosylation. Also called: Congenital disorder of glycosylation, type Ia; PHOSPHOMANNOMUTASE 2 DEFICIENCY; CDG Ia; JAEKEN SYNDROME; PMM2-CDG; CARBOHYDRATE-DEFICIENT GLYCOPROTEIN SYNDROME, TYPE Ia. Identifiers: Orphanet 79318, MedGen C0349653, MONDO:0008907, OMIM 212065.

Allele frequency attached by ClinVar (database versions not stated): gnomAD exomes below 0.00001; TOPMed below 0.00001; ExAC 0.00001.
gnomAD v4.1: 1 of 1,610,132 alleles (0.000062%); highest among the groups gnomAD compares: Admixed American, 0.0017%; no homozygotes.

Submissions (5):

Myriad Genetics, Inc.
Classification: Uncertain significance for PMM2-congenital disorder of glycosylation. Last evaluated: 2026-08-20. Review status: criteria provided, single submitter. Criteria: Myriad Autosomal Dominant, Autosomal Recessive and X-Linked Classification Criteria (2023). Collection method: clinical testing. Allele origin: unknown.
Comment: NM_000303.2(PMM2):c.337C>A(P113T) is a missense variant classified as a variant of uncertain significance in the context of congenital disorder of glycosylation, PMM2-related. P113T has been observed in a case with relevant disease (PMID: 34652821). Relevant functional assessments of this variant are not available in the literature. P113T has been observed in referenced population frequency databases. In summary, there is insufficient evidence to classify NM_000303.2(PMM2):c.337C>A(P113T) as pathogenic or benign. Please note: this variant was assessed in the context of healthy population screening.

Labcorp Genetics (formerly Invitae), Labcorp
Classification: Pathogenic for PMM2-congenital disorder of glycosylation. Last evaluated: 2025-11-03. Review status: criteria provided, single submitter. Criteria: Invitae Variant Classification Sherloc (09022015). Collection method: clinical testing. Allele origin: germline.
Comment: This sequence change replaces proline, which is neutral and non-polar, with threonine, which is neutral and polar, at codon 113 of the PMM2 protein (p.Pro113Thr). This variant is present in population databases (rs765433263, gnomAD 0.003%). This missense change has been observed in individual(s) with PMM2-congenital disorder of glycosylation (CDG-Ia) (PMID: 37224763; internal data). In at least one individual the data is consistent with being in trans (on the opposite chromosome) from a pathogenic variant. ClinVar contains an entry for this variant (Variation ID: 420784). Invitae Evidence Modeling of protein sequence and biophysical properties (such as structural, functional, and spatial information, amino acid conservation, physicochemical variation, residue mobility, and thermodynamic stability) indicates that this missense variant is expected to disrupt PMM2 protein function with a positive predictive value of 95%. This variant disrupts the p.Pro113 amino acid residue in PMM2. Other variant(s) that disrupt this residue have been determined to be pathogenic (PMID: 9140401, 11058895, 18948042, 21541725). This suggests that this residue is clinically significant, and that variants that disrupt this residue are likely to be disease-causing. For these reasons, this variant has been classified as Pathogenic.

GeneDx
Classification: Likely pathogenic. Last evaluated: 2024-07-12. Review status: criteria provided, single submitter. Criteria: GeneDx Variant Classification Process June 2021. Collection method: clinical testing. Allele origin: germline. Affected: yes.
Comment: Identified with a second variant in PMM2 in a patient in published literature; detailed clinical information and segregation was not reported (PMID: 37224763); Not observed at significant frequency in large population cohorts (gnomAD); In silico analysis supports that this missense variant has a deleterious effect on protein structure/function; This variant is associated with the following publications: (PMID: 37224763)

PreventionGenetics, part of Exact Sciences
Classification: Likely pathogenic for PMM2-related condition. Last evaluated: 2024-09-05. Review status: no assertion criteria provided. Collection method: clinical testing. Allele origin: germline. Not counted in ClinVar's aggregate classification.
Comment: The PMM2 c.337C>A variant is predicted to result in the amino acid substitution p.Pro113Thr. This variant has been reported in the presumed compound heterozygous state with a PMM2 nonsense variant (c.109C>T, p.Gln37*) in an individual with congenital disorder of glycosylation type 1a (PMM2-CDG) (Table 2, De Graef et al. 2023. PubMed ID: 37224763). This variant is reported in 0.0029% of alleles (1 of 34,590) in individuals of Latino descent in gnomAD. Of note, another missense variant affecting the same amino acid residue (p.Pro113Leu) has been reported in multiple individuals with PMM2-CDG and shown to cause a loss of function (Matthijs et al. 1997. PubMed ID: 9140401; Vega et al. 2011. PubMed ID: 21541725; Yuste-Checa et al. 2015. PubMed ID: 26014514; Segovia-Falquina et al. 2022. PubMed ID: 35789514). Taken together, the p.Pro113Thr variant is interpreted as likely pathogenic.

Counsyl
Classification: Uncertain significance for PMM2-congenital disorder of glycosylation. Last evaluated: 2019-01-24. Review status: no assertion criteria provided. Collection method: clinical testing. Allele origin: unknown. Not counted in ClinVar's aggregate classification.

Literature cited by the submitters: PubMed 34652821 (cited by Myriad Genetics, Inc.); PubMed 37224763 (cited by Labcorp Genetics (formerly Invitae), Labcorp); PubMed 9140401 (cited by Labcorp Genetics (formerly Invitae), Labcorp); PubMed 11058895 (cited by Labcorp Genetics (formerly Invitae), Labcorp); PubMed 18948042 (cited by Labcorp Genetics (formerly Invitae), Labcorp); PubMed 21541725 (cited by Labcorp Genetics (formerly Invitae), Labcorp).